The following is an entry in ClinVar:

ClinVar aggregate classification (germline): Likely benign (1 of 4 stars; one submission).

Submission:

CeGaT Center for Human Genetics Tuebingen
Classification: Likely benign. Last evaluated: 2026-05-01. Review status: criteria provided, single submitter. Criteria: CeGaT Center For Human Genetics Tuebingen Variant Classification Criteria Version 2. Collection method: clinical testing. Allele origin: germline. Affected: yes. Observed: 1 variant allele.
Comment: TRAPPC10: PM2:Supporting, BP4, BP7

NM_003274.5(TRAPPC10):c.1845G>A (p.Gln615=)

Gene: TRAPPC10 (trafficking protein particle complex subunit 10; plus strand). Cytogenetic location: 21q22.3.
Variant type: single nucleotide variant.
Coding change: c.1845G>A on transcript NM_003274.5 (MANE Select); coding-DNA position 1845, G replaced by A.
Protein change: p.Gln615=; no amino-acid change (glutamine 615 retained).
Molecular consequence: synonymous variant.
Genome position (GRCh38, 1-based): chr21:44,082,909, G>A. VCF-style: chr21-44082909-G-A. GRCh37 (hg19) VCF-style: chr21-45502790-G-A.
Other names: c.444G>A, p.Gln148= (NM_001351709.1).
Identifiers: ClinVar variation 4874979 (VCV004874979.2).